The following is an entry in ClinVar:

ClinVar aggregate classification (germline): Uncertain significance (1 of 4 stars; one submission).

gnomAD v4.1: 1 of 1,603,072 alleles (0.000062%); highest among the groups gnomAD compares: African/African-American, 0.0013%; no homozygotes.

Submission:

Labcorp Genetics (formerly Invitae), Labcorp
Classification: Uncertain significance. Last evaluated: 2025-05-07. Review status: criteria provided, single submitter. Criteria: Invitae Variant Classification Sherloc (09022015). Collection method: clinical testing. Allele origin: germline.
Comment: This sequence change replaces glycine, which is neutral and non-polar, with aspartic acid, which is acidic and polar, at codon 1269 of the NOTCH3 protein (p.Gly1269Asp). This variant is not present in population databases (gnomAD no frequency). This variant has not been reported in the literature in individuals affected with NOTCH3-related conditions. Invitae Evidence Modeling of protein sequence and biophysical properties (such as structural, functional, and spatial information, amino acid conservation, physicochemical variation, residue mobility, and thermodynamic stability) indicates that this missense variant is not expected to disrupt NOTCH3 protein function with a negative predictive value of 95%. In summary, the available evidence is currently insufficient to determine the role of this variant in disease. Therefore, it has been classified as a Variant of Uncertain Significance.

NM_000435.3(NOTCH3):c.3806G>A (p.Gly1269Asp)

Gene: NOTCH3 (notch receptor 3; minus strand). Cytogenetic location: 19p13.12.
Variant type: single nucleotide variant.
Coding change: c.3806G>A on transcript NM_000435.3 (MANE Select); coding-DNA position 3806, G replaced by A.
Protein change: p.Gly1269Asp; replaces glycine 1269 with aspartic acid.
Molecular consequence: missense variant.
Genome position (GRCh38, 1-based): chr19:15,178,854, C>T on the plus strand (G>A on the coding strand, the complement: NOTCH3 is on the minus strand). VCF-style: chr19-15178854-C-T. GRCh37 (hg19) VCF-style: chr19-15289665-C-T.
Other names: short protein forms G1269D.
Identifiers: ClinVar variation 4776625 (VCV004776625.1).
Genomic context (GRCh38, chr19:15,178,854, plus strand): 5'-CTCCTCCAAAGGCCGCCACCCACACCTACCTGGGCACAGTGACAGGTGAAGGTCAGCCCA[C>T]CCCCAGGACCCGGGCTAGGACGGCACTGGCCTCCATGCTGGCATGGCTGGGACTCGCAGG-3'
Protein context (NP_000426.2, residues 1259-1279): GQCRPSPGPG[Gly1269Asp]GLTFTCHCAQ